The following is an entry in ClinVar:

ClinVar aggregate classification (germline): Likely benign (0 of 4 stars; one submission).

Conditions:
TUBA4A-related disorder. Also called: TUBA4A-related condition.

Submission:

PreventionGenetics, part of Exact Sciences
Classification: Likely benign for TUBA4A-related condition. Last evaluated: 2023-10-03. Review status: no assertion criteria provided. Collection method: clinical testing. Allele origin: germline.
Comment: This variant is classified as likely benign based on ACMG/AMP sequence variant interpretation guidelines (Richards et al. 2015 PMID: 25741868, with internal and published modifications).

NM_006000.3(TUBA4A):c.1266T>G (p.Arg422=)

Gene: TUBA4A (tubulin alpha 4a; minus strand). Cytogenetic location: 2q35.
Variant type: single nucleotide variant.
Coding change: c.1266T>G on transcript NM_006000.3 (MANE Select); coding-DNA position 1266, T replaced by G.
Protein change: p.Arg422=; no amino-acid change (arginine 422 retained).
Molecular consequence: synonymous variant.
Genome position (GRCh38, 1-based): chr2:219,250,433, A>C on the plus strand (T>G on the coding strand, the complement: TUBA4A is on the minus strand). VCF-style: chr2-219250433-A-C. GRCh37 (hg19) VCF-style: chr2-220115155-A-C.
Other names: c.1221T>G, p.Arg407= (NM_001278552.2).
Identifiers: ClinVar variation 3057522 (VCV003057522.2), dbSNP rs1574883514, ClinGen allele CA431285373.